The following is an entry in ClinVar:

NM_182914.3(SYNE2):c.14676C>A (p.His4892Gln)

Gene: SYNE2 (spectrin repeat containing nuclear envelope protein 2; plus strand). Cytogenetic location: 14q23.2.
Variant type: single nucleotide variant.
Coding change: c.14676C>A on transcript NM_182914.3 (MANE Select); coding-DNA position 14676, C replaced by A.
Protein change: p.His4892Gln; replaces histidine 4892 with glutamine.
Molecular consequence: missense variant.
Genome position (GRCh38, 1-based): chr14:64,137,816, C>A. VCF-style: chr14-64137816-C-A. GRCh37 (hg19) VCF-style: chr14-64604534-C-A.
Other names: c.14676C>A, p.His4892Gln (NM_015180.6); short protein forms H4892Q.
Identifiers: ClinVar variation 842036 (VCV000842036.8), dbSNP rs375987275, ClinGen allele CA7222843.

ClinVar aggregate classification (germline): Uncertain significance. Review status: criteria provided, multiple submitters, no conflicts (2 of 4 stars). 2 submissions from 2 submitters: Uncertain significance (2). Last evaluated 2025-02-01.

Conditions:
Emery-Dreifuss muscular dystrophy 5, autosomal dominant (EDMD5). Also called: EMERY-DREIFUSS MUSCULAR DYSTROPHY 5. Identifiers: Orphanet 261, MedGen C2751805, MONDO:0013072, OMIM 612999.

Allele frequency attached by ClinVar (database versions not stated): TOPMed 0.00006; ESP Exome Variant Server 0.00015.
gnomAD v4.1: 40 of 1,614,052 alleles (0.0025%); highest among the groups gnomAD compares: Non-Finnish European, 0.0031%; no homozygotes.

Submissions (2):

Ambry Genetics
Classification: Uncertain significance. Last evaluated: 2025-02-01. Review status: criteria provided, single submitter. Criteria: Ambry Variant Classification Scheme 2023. Collection method: clinical testing. Allele origin: germline.

Labcorp Genetics (formerly Invitae), Labcorp
Classification: Uncertain significance for Emery-Dreifuss muscular dystrophy 5, autosomal dominant. Last evaluated: 2023-02-15. Review status: criteria provided, single submitter. Criteria: Invitae Variant Classification Sherloc (09022015). Collection method: clinical testing. Allele origin: germline.
Comment: This sequence change replaces histidine, which is basic and polar, with glutamine, which is neutral and polar, at codon 4892 of the SYNE2 protein (p.His4892Gln). This variant is present in population databases (rs375987275, gnomAD 0.004%). This variant has not been reported in the literature in individuals affected with SYNE2-related conditions. ClinVar contains an entry for this variant (Variation ID: 842036). Algorithms developed to predict the effect of missense changes on protein structure and function output the following: SIFT: "Not Available"; PolyPhen-2: "Benign"; Align-GVGD: "Not Available". The glutamine amino acid residue is found in multiple mammalian species, which suggests that this missense change does not adversely affect protein function. In summary, the available evidence is currently insufficient to determine the role of this variant in disease. Therefore, it has been classified as a Variant of Uncertain Significance.